The following is an entry in ClinVar:

NM_006445.4(PRPF8):c.4789T>C (p.Phe1597Leu)

Gene: PRPF8 (pre-mRNA processing factor 8; minus strand). Cytogenetic location: 17p13.3.
Variant type: single nucleotide variant.
Coding change: c.4789T>C on transcript NM_006445.4 (MANE Select); coding-DNA position 4789, T replaced by C.
Protein change: p.Phe1597Leu; replaces phenylalanine 1597 with leucine.
Molecular consequence: missense variant.
Genome position (GRCh38, 1-based): chr17:1,659,998, A>G on the plus strand (T>C on the coding strand, the complement: PRPF8 is on the minus strand). VCF-style: chr17-1659998-A-G. GRCh37 (hg19) VCF-style: chr17-1563292-A-G.
Other names: short protein forms F1597L.
Identifiers: ClinVar variation 3011152 (VCV003011152.3), dbSNP rs1567679104, ClinGen allele CA397574899.

ClinVar aggregate classification (germline): Uncertain significance (1 of 4 stars; one submission).

Allele frequency attached by ClinVar (database versions not stated): gnomAD exomes below 0.00001; gnomAD 0.00001.

Submission:

Labcorp Genetics (formerly Invitae), Labcorp
Classification: Uncertain significance. Last evaluated: 2023-11-13. Review status: criteria provided, single submitter. Criteria: Invitae Variant Classification Sherloc (09022015). Collection method: clinical testing. Allele origin: germline.
Comment: This sequence change replaces phenylalanine, which is neutral and non-polar, with leucine, which is neutral and non-polar, at codon 1597 of the PRPF8 protein (p.Phe1597Leu). This variant is not present in population databases (gnomAD no frequency). This variant has not been reported in the literature in individuals affected with PRPF8-related conditions. Advanced modeling of protein sequence and biophysical properties (such as structural, functional, and spatial information, amino acid conservation, physicochemical variation, residue mobility, and thermodynamic stability) performed at Invitae indicates that this missense variant is not expected to disrupt PRPF8 protein function with a negative predictive value of 80%. In summary, the available evidence is currently insufficient to determine the role of this variant in disease. Therefore, it has been classified as a Variant of Uncertain Significance.